The following is an entry in ClinVar:

ClinVar aggregate classification (germline): Pathogenic (1 of 4 stars; one submission).

Allele frequency attached by ClinVar (database versions not stated): gnomAD exomes below 0.00001.
gnomAD v4.1: 1 of 1,598,526 alleles (0.000063%); highest among the groups gnomAD compares: Non-Finnish European, 0.000085%; no homozygotes.

Submission:

Labcorp Genetics (formerly Invitae), Labcorp
Classification: Pathogenic. Last evaluated: 2023-05-16. Review status: criteria provided, single submitter. Criteria: Invitae Variant Classification Sherloc (09022015). Collection method: clinical testing. Allele origin: germline.
Comment: For these reasons, this variant has been classified as Pathogenic. ClinVar contains an entry for this variant (Variation ID: 1916243). This premature translational stop signal has been observed in individual(s) with Hermansky-Pudlak syndrome (PMID: 31880485). This variant is not present in population databases (gnomAD no frequency). This sequence change creates a premature translational stop signal (p.Gln3*) in the HPS3 gene. It is expected to result in an absent or disrupted protein product. Loss-of-function variants in HPS3 are known to be pathogenic (PMID: 11590544).

Literature cited by the submitters: PubMed 31880485; PubMed 11590544.

NM_032383.5(HPS3):c.7C>T (p.Gln3Ter)

Gene: HPS3 (HPS3 biogenesis of lysosomal organelles complex 2 subunit 1; plus strand). Cytogenetic location: 3q24.
Variant type: single nucleotide variant.
Coding change: c.7C>T on transcript NM_032383.5 (MANE Select); coding-DNA position 7, C replaced by T.
Protein change: p.Gln3Ter; replaces glutamine 3 with a stop codon.
Molecular consequence: nonsense.
Genome position (GRCh38, 1-based): chr3:149,129,730, C>T. VCF-style: chr3-149129730-C-T. GRCh37 (hg19) VCF-style: chr3-148847517-C-T.
Other names: c.7C>T, p.Gln3Ter (NM_001308258.2); short protein forms Q3*.
Identifiers: ClinVar variation 1916243 (VCV001916243.7), dbSNP rs2473044613, ClinGen allele CA354906139.